The following is an entry in ClinVar:

ClinVar aggregate classification (germline): Uncertain significance. Review status: criteria provided, multiple submitters, no conflicts (2 of 4 stars). 2 submissions from 2 submitters: Uncertain significance (2). Last evaluated 2026-01-11.

Allele frequency attached by ClinVar (database versions not stated): gnomAD 0.00001.
gnomAD v4.1: 11 of 1,537,678 alleles (0.00072%); highest among the groups gnomAD compares: Non-Finnish European, 0.00087%; no homozygotes.

Submissions (2):

Dasa
Classification: Uncertain significance. Last evaluated: 2026-01-11. Review status: criteria provided, single submitter. Criteria: DASA Assertion Criteria. Collection method: clinical testing. Allele origin: germline.
Comment: NM_138576.4(BCL11B):c.2341G>C (p.Gly781Arg) is a missense variant that results in the substitution of glycine with arginine. This variant is rare in population databases. The currently available literature and clinical evidence are not sufficient to establish a definitive association between this variant and the reported condition. Therefore, this variant is classified as a variant of uncertain significance.

Labcorp Genetics (formerly Invitae), Labcorp
Classification: Uncertain significance. Last evaluated: 2022-10-08. Review status: criteria provided, single submitter. Criteria: Invitae Variant Classification Sherloc (09022015). Collection method: clinical testing. Allele origin: germline.
Comment: In summary, the available evidence is currently insufficient to determine the role of this variant in disease. Therefore, it has been classified as a Variant of Uncertain Significance. Advanced modeling of protein sequence and biophysical properties (such as structural, functional, and spatial information, amino acid conservation, physicochemical variation, residue mobility, and thermodynamic stability) performed at Invitae indicates that this missense variant is not expected to disrupt BCL11B protein function. ClinVar contains an entry for this variant (Variation ID: 1522892). This variant has not been reported in the literature in individuals affected with BCL11B-related conditions. This variant is present in population databases (no rsID available, gnomAD 0.002%). This sequence change replaces glycine, which is neutral and non-polar, with arginine, which is basic and polar, at codon 781 of the BCL11B protein (p.Gly781Arg).

NM_138576.4(BCL11B):c.2341G>C (p.Gly781Arg)

Gene: BCL11B (BCL11 transcription factor B; minus strand). Cytogenetic location: 14q32.2.
Variant type: single nucleotide variant.
Coding change: c.2341G>C on transcript NM_138576.4 (MANE Select); coding-DNA position 2341, G replaced by C.
Protein change: p.Gly781Arg; replaces glycine 781 with arginine.
Molecular consequence: missense variant.
Genome position (GRCh38, 1-based): chr14:99,174,495, C>G on the plus strand (G>C on the coding strand, the complement: BCL11B is on the minus strand). VCF-style: chr14-99174495-C-G. GRCh37 (hg19) VCF-style: chr14-99640832-C-G.
Other names: c.2338G>C, p.Gly780Arg (NM_001282237.2); c.2125G>C, p.Gly709Arg (NM_001282238.2); c.2128G>C, p.Gly710Arg (NM_022898.3); short protein forms G710R, G709R, G780R, G781R.
Identifiers: ClinVar variation 1522892 (VCV001522892.10), dbSNP rs900202261, ClinGen allele CA266104812.
Genomic context (GRCh38, chr14:99,174,495, plus strand): 5'-AGTACTCGCACGTGTCGCTGCGGCGGCCCTCCTTGGAGCTGGGCCGCCCGGGGCCCGGGC[C>G]GCCCAGGTGCGGGGTGCTGCCTCCGCTGGCCGTGCCGCTGCGGCCCGAGAGGCCGCCGTC-3'
Protein context (NP_612808.1, residues 771-791): ASGGSTPHLG[Gly781Arg]PGPGRPSSKE